The following is an entry in ClinVar:

ClinVar aggregate classification (germline): Uncertain significance. Review status: criteria provided, multiple submitters, no conflicts (2 of 4 stars). 5 submissions from 5 submitters: Uncertain significance (5). Last evaluated 2024-12-11.

Conditions:
C5-related disorder. Also called: C5-related condition.
Complement component 5 deficiency. Also called: C5 DEFICIENCY. Identifiers: MedGen C0343047, MONDO:0012295, OMIM 609536.

Allele frequency attached by ClinVar (database versions not stated): gnomAD 0.00009 and 0.00012; TOPMed 0.00014; ESP Exome Variant Server 0.00015; gnomAD exomes 0.00016 and 0.00022; ExAC 0.00024.
gnomAD v4.1: 261 of 1,612,542 alleles (0.016%); highest among the groups gnomAD compares: Middle Eastern, 0.53%; no homozygotes.

Submissions (5):

Ambry Genetics
Classification: Uncertain significance. Last evaluated: 2024-12-11. Review status: criteria provided, single submitter. Criteria: Ambry Variant Classification Scheme 2023. Collection method: clinical testing. Allele origin: germline.

PreventionGenetics, part of Exact Sciences
Classification: Uncertain significance for C5-related condition. Last evaluated: 2023-04-25. Review status: criteria provided, single submitter. Criteria: ACMG Guidelines, 2015. Collection method: clinical testing. Allele origin: germline.
Comment: The C5 c.1711C>G variant is predicted to result in the amino acid substitution p.Leu571Val. To our knowledge, this variant has not been reported in the literature. This variant is reported in 0.085% of alleles in individuals of South Asian descent in gnomAD. Although we suspect that this variant may be benign, at this time, the clinical significance of this variant is uncertain due to the absence of conclusive functional and genetic evidence.

Labcorp Genetics (formerly Invitae), Labcorp
Classification: Uncertain significance. Last evaluated: 2022-10-17. Review status: criteria provided, single submitter. Criteria: Invitae Variant Classification Sherloc (09022015). Collection method: clinical testing. Allele origin: germline.
Comment: This sequence change replaces leucine, which is neutral and non-polar, with valine, which is neutral and non-polar, at codon 571 of the C5 protein (p.Leu571Val). This variant is present in population databases (rs147226792, gnomAD 0.08%). This variant has not been reported in the literature in individuals affected with C5-related conditions. ClinVar contains an entry for this variant (Variation ID: 548014). Advanced modeling of protein sequence and biophysical properties (such as structural, functional, and spatial information, amino acid conservation, physicochemical variation, residue mobility, and thermodynamic stability) performed at Invitae indicates that this missense variant is not expected to disrupt C5 protein function. In summary, the available evidence is currently insufficient to determine the role of this variant in disease. Therefore, it has been classified as a Variant of Uncertain Significance.

Mayo Clinic Laboratories, Mayo Clinic
Classification: Uncertain significance for Complement component 5 deficiency. Last evaluated: 2017-11-15. Review status: criteria provided, single submitter. Criteria: ACMG Guidelines, 2015. Collection method: clinical testing. Allele origin: maternal.

Breakthrough Genomics
Classification: Uncertain significance. Review status: criteria provided, single submitter. Criteria: ACMG Guidelines, 2015. Collection method: not provided. Allele origin: germline. Inheritance: Autosomal recessive inheritance. Affected: yes.

NM_001735.3(C5):c.1711C>G (p.Leu571Val)

Gene: C5 (complement C5; minus strand). Cytogenetic location: 9q33.2.
Variant type: single nucleotide variant.
Coding change: c.1711C>G on transcript NM_001735.3 (MANE Select); coding-DNA position 1711, C replaced by G.
Protein change: p.Leu571Val; replaces leucine 571 with valine.
Molecular consequence: missense variant.
Genome position (GRCh38, 1-based): chr9:121,017,648, G>C on the plus strand (C>G on the coding strand, the complement: C5 is on the minus strand). VCF-style: chr9-121017648-G-C. GRCh37 (hg19) VCF-style: chr9-123779926-G-C.
Other names: c.1729C>G, p.Leu577Val (NM_001317163.2); c.1711C>G, p.Leu571Val (NM_001317164.2); short protein forms L571V, L577V.
Identifiers: ClinVar variation 548014 (VCV000548014.11), dbSNP rs147226792, ClinGen allele CA5218011.
Genomic context (GRCh38, chr9:121,017,648, plus strand): 5'-GCAGCCTCCTTCATTGAAAAGAAAATTCAATTGTGACTTATAATTTGTGGCTTACCTGGA[G>C]CTGGTTGCCACATTTTTCTTCAATATTTAACCAGACTGAATCAGACACTAATTCTGCTGT-3'
Protein context (NP_001726.2, residues 561-581): LNIEEKCGNQ[Leu571Val]QVHLSPDADA